The following is an entry in ClinVar:

ClinVar aggregate classification (germline): Pathogenic. Review status: criteria provided, multiple submitters, no conflicts (2 of 4 stars). 2 submissions from 2 submitters: Pathogenic (2). Last evaluated 2020-06-01.

Conditions:
Developmental and epileptic encephalopathy, 2 (DEE2). Also called: INFANTILE SPASM SYNDROME, X-LINKED 2; CDKL5 deficiency disorder. Identifiers: Orphanet 1934, Orphanet 3451, Orphanet 505652, MedGen C4750718, MONDO:0010396, OMIM 300672.
Angelman syndrome-like. Identifiers: MedGen CN128785.

Submissions (2):

Labcorp Genetics (formerly Invitae), Labcorp
Classification: Pathogenic for Developmental and epileptic encephalopathy, 2; Angelman syndrome-like. Last evaluated: 2020-06-01. Review status: criteria provided, single submitter. Criteria: Invitae Variant Classification Sherloc (09022015). Collection method: clinical testing. Allele origin: germline.
Comment: This sequence change affects a donor splice site in intron 9 of the CDKL5 gene. It is expected to disrupt RNA splicing and likely results in an absent or disrupted protein product. This variant is not present in population databases (ExAC no frequency). This variant has been observed in individual(s) with CDKL5-related conditions (Invitae). In at least one individual the variant was observed to be de novo. ClinVar contains an entry for this variant (Variation ID: 863429). Algorithms developed to predict the effect of sequence changes on RNA splicing suggest that this variant may disrupt the consensus splice site, but this prediction has not been confirmed by published transcriptional studies. Donor and acceptor splice site variants typically lead to a loss of protein function (PMID: 16199547), and loss-of-function variants in CDKL5 are known to be pathogenic (PMID: 22872100). For these reasons, this variant has been classified as Pathogenic.

Laboratory of Inherited Metabolic Diseases, Research centre for medical genetics
Classification: Pathogenic for Developmental and epileptic encephalopathy, 2. Last evaluated: 2020-02-14. Review status: criteria provided, single submitter. Criteria: ACMG Guidelines, 2015. Collection method: clinical testing. Allele origin: unknown. Inheritance: X-linked inheritance. Affected: yes.

Literature cited by the submitters: PubMed 16199547 (cited by Labcorp Genetics (formerly Invitae), Labcorp); PubMed 22872100 (cited by Labcorp Genetics (formerly Invitae), Labcorp).

NM_001323289.2(CDKL5):c.744+1G>A

Gene: CDKL5 (cyclin dependent kinase like 5; plus strand). Cytogenetic location: Xp22.13.
Variant type: single nucleotide variant.
Coding change: c.744+1G>A on transcript NM_001323289.2 (MANE Select); the canonical splice donor site of the intron after coding-DNA position 744, G replaced by A.
Molecular consequence: splice donor variant.
Genome position (GRCh38, 1-based): chrX:18,588,144, G>A. VCF-style: chrX-18588144-G-A. GRCh37 (hg19) VCF-style: chrX-18606264-G-A.
Other names: c.744+1G>A (NM_003159.3, NM_001037343.2).
Identifiers: ClinVar variation 863429 (VCV000863429.11), dbSNP rs1925705674, ClinGen allele CA412353674.